The following is an entry in ClinVar:

NM_016938.5(EFEMP2):c.1183G>T (p.Val395Phe)

Genes: MUS81 (MUS81 structure-specific endonuclease subunit; plus strand), EFEMP2 (EGF-like fibulin extracellular matrix protein 2; minus strand). Cytogenetic location: 11q13.1.
Variant type: single nucleotide variant.
Coding change: c.1183G>T on transcript NM_016938.5 (MANE Select); coding-DNA position 1183, G replaced by T.
Protein change: p.Val395Phe; replaces valine 395 with phenylalanine.
Molecular consequence: missense variant. On other transcripts: non-coding transcript variant (1).
Genome position (GRCh38, 1-based): chr11:65,867,067, C>A on the plus strand (G>T on the coding strand, the complement: EFEMP2 is on the minus strand). VCF-style: chr11-65867067-C-A. GRCh37 (hg19) VCF-style: chr11-65634538-C-A.
Other names: short protein forms V395F.
Identifiers: ClinVar variation 1742839 (VCV001742839.4), dbSNP rs543567156, ClinGen allele CA381349763.

ClinVar aggregate classification (germline): Uncertain significance. Review status: criteria provided, multiple submitters, no conflicts (2 of 4 stars). 2 submissions from 2 submitters: Uncertain significance (2). Last evaluated 2024-10-27.

Conditions:
Cardiovascular phenotype. Identifiers: MedGen CN230736.
Cutis laxa, autosomal recessive, type 1B (ARCL1B). Also called: CUTIS LAXA, AUTOSOMAL RECESSIVE, TYPE IB; EFEMP2-Related Cutis Laxa. Identifiers: Orphanet 90349, MedGen C3280798, MONDO:0013754, OMIM 614437. Disease mechanism: loss of function.

Submissions (2):

Labcorp Genetics (formerly Invitae), Labcorp
Classification: Uncertain significance for Cutis laxa, autosomal recessive, type 1B. Last evaluated: 2024-10-27. Review status: criteria provided, single submitter. Criteria: Invitae Variant Classification Sherloc (09022015). Collection method: clinical testing. Allele origin: germline.
Comment: This sequence change replaces valine, which is neutral and non-polar, with phenylalanine, which is neutral and non-polar, at codon 395 of the EFEMP2 protein (p.Val395Phe). This variant is not present in population databases (gnomAD no frequency). This variant has not been reported in the literature in individuals affected with EFEMP2-related conditions. ClinVar contains an entry for this variant (Variation ID: 1742839). Invitae Evidence Modeling of protein sequence and biophysical properties (such as structural, functional, and spatial information, amino acid conservation, physicochemical variation, residue mobility, and thermodynamic stability) indicates that this missense variant is not expected to disrupt EFEMP2 protein function with a negative predictive value of 95%. In summary, the available evidence is currently insufficient to determine the role of this variant in disease. Therefore, it has been classified as a Variant of Uncertain Significance.

Ambry Genetics
Classification: Uncertain significance for Cardiovascular phenotype. Last evaluated: 2021-02-11. Review status: criteria provided, single submitter. Criteria: Ambry Variant Classification Scheme 2023. Collection method: clinical testing. Allele origin: germline.
Comment: The p.V395F variant (also known as c.1183G>T), located in coding exon 10 of the EFEMP2 gene, results from a G to T substitution at nucleotide position 1183. The valine at codon 395 is replaced by phenylalanine, an amino acid with highly similar properties. This amino acid position is not well conserved in available vertebrate species. In addition, the in silico prediction for this alteration is inconclusive. Since supporting evidence is limited at this time, the clinical significance of this alteration remains unclear.